The following is an entry in ClinVar:

NM_053025.4(MYLK):c.1348_1356delinsTCT (p.Glu450_Thr452delinsSer)

Gene: MYLK (myosin light chain kinase; minus strand). Cytogenetic location: 3q21.1.
Variant type: Indel.
Coding change: c.1348_1356delinsTCT on transcript NM_053025.4 (MANE Select); coding-DNA positions 1348 to 1356, GAAGGCACC replaced by TCT.
Protein change: p.Glu450_Thr452delinsSer.
Molecular consequence: inframe indel. On other transcripts: intron variant (2).
Genome position (GRCh38, 1-based): chr3:123,733,056-123,733,064, GGTGCCTTC replaced by AGA on the plus strand (GAAGGCACC replaced by TCT on the coding strand, the reverse complement: MYLK is on the minus strand). VCF-style: chr3-123733056-GGTGCCTTC-AGA. GRCh37 (hg19) VCF-style: chr3-123451903-GGTGCCTTC-AGA.
Other names: c.820_828delinsTCT, p.Glu274_Thr276delinsSer (NM_001321309.2); c.1348_1356delinsTCT, p.Glu450_Thr452delinsSer (NM_053027.4); c.1309+623_1309+631delinsTCT (NM_053028.4, NM_053026.4); c.1348_1356delGAAGGCACCinsTCT (NM_053025.3).
Identifiers: ClinVar variation 409707 (VCV000409707.12), dbSNP rs1064792964, ClinGen allele CA16611158.
Genomic context (GRCh38, chr3:123,733,056, plus strand): 5'-GAGGTAATGGGAGCCAGCATCTTCATAAACCTCAATGCTGCCTTCCTGTCTCCTCACGGG[GGTGCCTTC>AGA]CAGGAACCAGGCCACTTCAGGCTTTGGAATCCCGGAAACTACAGGGCCAGGTAAAGAACG-3'

ClinVar aggregate classification (germline): Uncertain significance. Review status: criteria provided, multiple submitters, no conflicts (2 of 4 stars). 4 submissions from 4 submitters: Uncertain significance (4). Last evaluated 2024-10-23.

Conditions:
Aortic aneurysm, familial thoracic 7 (AAT7). Also called: AORTIC DISSECTION, FAMILIAL, WITH OR WITHOUT AORTIC ANEURYSM. Identifiers: MedGen C3151077, MONDO:0013418, OMIM 613780.
Megacystis-microcolon-intestinal hypoperistalsis syndrome 1. Identifiers: MedGen C5542316, MONDO:0100354, OMIM 249210.
Familial thoracic aortic aneurysm and aortic dissection (TAAD). Also called: Thoracic aortic aneurysms and dissections. Identifiers: Orphanet 91387, MedGen C4707243, MONDO:0019625.

Submissions (4):

GeneDx
Classification: Uncertain significance. Last evaluated: 2024-10-23. Review status: criteria provided, single submitter. Criteria: GeneDx Variant Classification Process June 2021. Collection method: clinical testing. Allele origin: germline. Affected: yes.
Comment: Has not been previously published as pathogenic or benign to our knowledge; Not observed at significant frequency in large population cohorts (gnomAD); In-frame deletion of 3 amino acids and insertion of 1 different amino acid in a non-repeat region; In silico analysis supports a deleterious effect on protein structure/function; This variant is associated with the following publications: (PMID: 36973604)

Ambry Genetics
Classification: Uncertain significance for Familial thoracic aortic aneurysm and aortic dissection. Last evaluated: 2023-04-25. Review status: criteria provided, single submitter. Criteria: Ambry Variant Classification Scheme 2023. Collection method: clinical testing. Allele origin: germline.
Comment: The c.1348_1356delGAAGGCACCinsTCT variant (also known as p.E450_T452delinsS), located in coding exon 8 of the MYLK gene, results from an in-frame deletion of GAAGGCACC and insertion of TCT at nucleotide positions 1348 to 1356. This results in the substitution of three amino acid residues (glutamic acid, glycine, theronine) at codons 450-452 for a serine residue. The deleted amino acid positions are not well conserved in available vertebrate species. In addition, the in silico prediction for this alteration is inconclusive (Choi Y et al. PLoS ONE. 2012; 7(10):e46688). Since supporting evidence is limited at this time, the clinical significance of this alteration remains unclear.

Labcorp Genetics (formerly Invitae), Labcorp
Classification: Uncertain significance for Aortic aneurysm, familial thoracic 7. Last evaluated: 2022-07-19. Review status: criteria provided, single submitter. Criteria: Invitae Variant Classification Sherloc (09022015). Collection method: clinical testing. Allele origin: germline.
Comment: In summary, the available evidence is currently insufficient to determine the role of this variant in disease. Therefore, it has been classified as a Variant of Uncertain Significance. Experimental studies and prediction algorithms are not available or were not evaluated, and the functional significance of this variant is currently unknown. This variant has been observed in individual(s) with clinical features of thoracic aortic aneurysms and dissection (Invitae). This variant is present in population databases (rs769458226, gnomAD 0.01%). This variant, c.1348_1356delinsTCT , is a complex sequence change that results in the deletion of 3 and insertion of 1 amino acid(s) in the MYLK protein (p.Glu450_Thr452delinsSer).

Fulgent Genetics
Classification: Uncertain significance for Megacystis-microcolon-intestinal hypoperistalsis syndrome 1; Aortic aneurysm, familial thoracic 7. Last evaluated: 2021-08-10. Review status: criteria provided, single submitter. Criteria: ACMG Guidelines, 2015. Collection method: clinical testing. Allele origin: unknown.

Literature cited by the submitters: PubMed 36973604 (cited by Ambry Genetics).